The following is an entry in ClinVar:

ClinVar aggregate classification (germline): Pathogenic (1 of 4 stars; one submission).

Submission:

GeneDx
Classification: Pathogenic. Last evaluated: 2017-10-31. Review status: criteria provided, single submitter. Criteria: GeneDx Variant Classification (06012015). Collection method: clinical testing. Allele origin: germline. Affected: yes.
Comment: The E879X variant in the KMT2A gene has not been reported previously as a pathogenic variant nor as a benign variant, to our knowledge. This variant is predicted to cause loss of normal protein function either through protein truncation or nonsense-mediated mRNA decay. The E879X variant is not observed in large population cohorts (Lek et al., 2016).

NM_001197104.2(KMT2A):c.2635G>T (p.Glu879Ter)

Gene: KMT2A (lysine methyltransferase 2A; plus strand). Cytogenetic location: 11q23.3.
Variant type: single nucleotide variant.
Coding change: c.2635G>T on transcript NM_001197104.2 (MANE Select); coding-DNA position 2635, G replaced by T.
Protein change: p.Glu879Ter; replaces glutamic acid 879 with a stop codon.
Molecular consequence: nonsense.
Genome position (GRCh38, 1-based): chr11:118,473,794, G>T. VCF-style: chr11-118473794-G-T. GRCh37 (hg19) VCF-style: chr11-118344509-G-T.
Other names: c.2635G>T, p.Glu879Ter (NM_005933.4); short protein forms E879*.
Identifiers: ClinVar variation 453144 (VCV000453144.2), dbSNP rs1555036663, ClinGen allele CA382816629.